The following is an entry in ClinVar:

NM_006206.6(PDGFRA):c.2778C>T (p.Tyr926=)

Gene: PDGFRA (platelet derived growth factor receptor alpha; plus strand). Cytogenetic location: 4q12.
Variant type: single nucleotide variant.
Coding change: c.2778C>T on transcript NM_006206.6 (MANE Select); coding-DNA position 2778, C replaced by T.
Protein change: p.Tyr926=; no amino-acid change (tyrosine 926 retained).
Molecular consequence: synonymous variant.
Genome position (GRCh38, 1-based): chr4:54,289,012, C>T. VCF-style: chr4-54289012-C-T. GRCh37 (hg19) VCF-style: chr4-55155179-C-T.
Other names: c.2853C>T, p.Tyr951= (NM_001347828.2); c.2778C>T, p.Tyr926= (NM_001347829.2); c.2817C>T, p.Tyr939= (NM_001347830.2).
Identifiers: ClinVar variation 220817 (VCV000220817.55), dbSNP rs138519829, ClinGen allele CA348893.

ClinVar aggregate classification (germline): Benign/Likely benign. Review status: criteria provided, multiple submitters, no conflicts (2 of 4 stars). 11 submissions from 10 submitters: Benign (3); Likely benign (6). 2 of the submissions do not count toward it. Last evaluated 2026-09-01.

Conditions:
Polyps, multiple and recurrent inflammatory fibroid, gastrointestinal. Identifiers: MedGen C5193005, MONDO:0008285, OMIM 175510.
Idiopathic hypereosinophilic syndrome (HES). Identifiers: Orphanet 3260, MedGen C0206141, MONDO:0011895, OMIM 607685. Disease mechanism: gain of function.
Gastrointestinal stromal tumor. Also called: Gastrointestinal stroma tumor; Gastrointestinal stromal tumor, somatic. Identifiers: Orphanet 44890, MedGen C0238198, MeSH D046152, MONDO:0011719, OMIM 606764, HP:0100723.
Hereditary cancer-predisposing syndrome. Also called: Neoplastic Syndromes, Hereditary; Tumor predisposition; Hereditary Cancer Syndrome; Hereditary neoplastic syndrome. Identifiers: Orphanet 140162, MedGen C0027672, MeSH D009386, MONDO:0015356.

Allele frequency attached by ClinVar (database versions not stated): TOPMed 0.00119; 1000 Genomes Project 30x 0.00125; 1000 Genomes Project 0.00140; ESP Exome Variant Server 0.00154; gnomAD exomes 0.00307 and 0.00416; gnomAD 0.00368 and 0.00372; ExAC 0.00378.
gnomAD v4.1: 4,944 of 1,604,072 alleles (0.31%); highest among the groups gnomAD compares: South Asian, 0.25%; 30 homozygotes.

Submissions (11):

CeGaT Center for Human Genetics Tuebingen
Classification: Likely benign. Last evaluated: 2026-09-01. Review status: criteria provided, single submitter. Criteria: CeGaT Center For Human Genetics Tuebingen Variant Classification Criteria Version 2. Collection method: clinical testing. Allele origin: germline. Affected: yes. Observed: 24 variant alleles.
Comment: PDGFRA: BP4, BP7

Myriad Genetics, Inc.
Classification: Benign for Polyps, multiple and recurrent inflammatory fibroid, gastrointestinal. Last evaluated: 2026-06-17. Review status: criteria provided, single submitter. Criteria: Myriad Autosomal Dominant, Autosomal Recessive and X-Linked Classification Criteria (2023). Collection method: clinical testing. Allele origin: unknown.
Comment: This variant is considered benign. This variant is a silent/synonymous amino acid change and it is not expected to impact splicing.

Labcorp Genetics (formerly Invitae), Labcorp
Classification: Benign for Gastrointestinal stromal tumor. Last evaluated: 2026-02-03. Review status: criteria provided, single submitter. Criteria: Invitae Variant Classification Sherloc (09022015). Collection method: clinical testing. Allele origin: germline.

ARUP Laboratories, Molecular Genetics and Genomics, ARUP Laboratories
Classification: Likely benign. Last evaluated: 2023-12-05. Review status: criteria provided, single submitter. Criteria: ARUP Molecular Germline Variant Investigation Process 2024. Collection method: clinical testing. Allele origin: germline.

GeneDx
Classification: Likely benign. Last evaluated: 2021-01-12. Review status: criteria provided, single submitter. Criteria: GeneDx Variant Classification Process June 2021. Collection method: clinical testing. Allele origin: germline. Affected: yes.

Ambry Genetics
Classification: Likely benign for Hereditary cancer-predisposing syndrome. Last evaluated: 2018-09-19. Review status: criteria provided, single submitter. Criteria: Ambry Variant Classification Scheme 2023. Collection method: clinical testing. Allele origin: germline.

Illumina Laboratory Services, Illumina
Classification: Benign for Idiopathic hypereosinophilic syndrome. Last evaluated: 2018-01-12. Review status: criteria provided, single submitter. Criteria: ICSL Variant Classification Criteria 13 December 2019. Collection method: clinical testing. Allele origin: germline.
Comment: This variant was observed in the ICSL laboratory as part of a predisposition screen in an ostensibly healthy population. It had not been previously curated by ICSL or reported in the Human Gene Mutation Database (HGMD: prior to June 1st, 2018), and was therefore a candidate for classification through an automated scoring system. Utilizing variant allele frequency, disease prevalence and penetrance estimates, and inheritance mode, an automated score was calculated to assess if this variant is too frequent to cause the disease. Based on the score and internal cut-off values, a variant classified as benign is not then subjected to further curation. The score for this variant resulted in a classification of benign for this disease.

Illumina Laboratory Services, Illumina
Classification: Likely benign for Gastrointestinal stromal tumor. Last evaluated: 2018-01-12. Review status: criteria provided, single submitter. Criteria: ICSL Variant Classification Criteria 13 December 2019. Collection method: clinical testing. Allele origin: germline.
Comment: This variant was observed in the ICSL laboratory as part of a predisposition screen in an ostensibly healthy population. It had not been previously curated by ICSL or reported in the Human Gene Mutation Database (HGMD: prior to June 1st, 2018), and was therefore a candidate for classification through an automated scoring system. Utilizing variant allele frequency, disease prevalence and penetrance estimates, and inheritance mode, an automated score was calculated to assess if this variant is too frequent to cause the disease. Based on the score and internal cut-off values, a variant classified as likely benign is not then subjected to further curation. The score for this variant resulted in a classification of likely benign for this disease.

Breakthrough Genomics
Classification: Likely benign. Review status: criteria provided, single submitter. Criteria: ACMG Guidelines, 2015. Collection method: not provided. Allele origin: germline. Inheritance: Autosomal dominant inheritance. Affected: yes.

Clinical Genetics DNA and cytogenetics Diagnostics Lab, Erasmus MC, Erasmus Medical Center
Classification: Likely benign. Review status: no assertion criteria provided. Collection method: clinical testing. Allele origin: germline. Affected: yes. Study: VKGL Data-share Consensus. Not counted in ClinVar's aggregate classification.

Genome Diagnostics Laboratory, Amsterdam University Medical Center
Classification: Benign. Review status: no assertion criteria provided. Collection method: clinical testing. Allele origin: germline. Affected: yes. Study: VKGL Data-share Consensus. Not counted in ClinVar's aggregate classification.